The following is an entry in ClinVar:

NM_012193.4(FZD4):c.362_366del (p.Cys121fs)

Genes: FZD4 (frizzled class receptor 4; minus strand), PRSS23 (serine protease 23; plus strand). Cytogenetic location: 11q14.2.
Variant type: Deletion.
Coding change: c.362_366del on transcript NM_012193.4 (MANE Select); coding-DNA positions 362 to 366, 5 bases deleted (GTCTT; older notation c.362_366delGTCTT).
Protein change: p.Cys121fs; shifts the reading frame from cysteine 121.
Molecular consequence: frameshift variant. On other transcripts: non-coding transcript variant (2).
Genome position (GRCh38, 1-based): chr11:86,952,390-86,952,394, AAGAC deleted on the plus strand (GTCTT on the coding strand, the reverse complement: FZD4 is on the minus strand); deleting any 5 consecutive bases within chr11:86,952,390-86,952,395 gives the same sequence; the c. name uses the placement nearest the transcript's 3' end. VCF-style (leftmost placement, unchanged base first): chr11-86952389-AAAGAC-A. GRCh37 (hg19) VCF-style: chr11-86663431-AAAGAC-A.
Other names: short protein forms C121fs.
Identifiers: ClinVar variation 2030454 (VCV002030454.4), dbSNP rs2495869022, ClinGen allele CA2580085023.
Genomic context (GRCh38, chr11:86,952,389, plus strand): 5'-GACTCTCTGGCCAGGCAAATCCAAATTCCTTCAGGACGGGTTCACAGCGTCTCTTGACTG[AAAGAC>A]ACATGCCGCCGCATGGGCCAATGGGGATGTTGATCTTCTCTGTGCACATTGGCACATAAA-3'

ClinVar aggregate classification (germline): Pathogenic (1 of 4 stars; one submission).

Submission:

Labcorp Genetics (formerly Invitae), Labcorp
Classification: Pathogenic. Last evaluated: 2022-12-18. Review status: criteria provided, single submitter. Criteria: Invitae Variant Classification Sherloc (09022015). Collection method: clinical testing. Allele origin: germline.
Comment: This sequence change creates a premature translational stop signal (p.Cys121Phefs*7) in the FZD4 gene. While this is not anticipated to result in nonsense mediated decay, it is expected to disrupt the last 417 amino acid(s) of the FZD4 protein. This variant is not present in population databases (gnomAD no frequency). This variant has not been reported in the literature in individuals affected with FZD4-related conditions. This variant disrupts a region of the FZD4 protein in which other variant(s) (p.Gln505*) have been determined to be pathogenic (PMID: 15223780, 23077402). This suggests that this is a clinically significant region of the protein, and that variants that disrupt it are likely to be disease-causing. For these reasons, this variant has been classified as Pathogenic.

Literature cited by the submitters: PubMed 15223780; PubMed 23077402.